The following is an entry in ClinVar:

ClinVar aggregate classification (germline): Uncertain significance. Review status: criteria provided, multiple submitters, no conflicts (2 of 4 stars). 2 submissions from 2 submitters: Uncertain significance (2). Last evaluated 2024-03-26.

gnomAD v4.1: 1 of 1,612,598 alleles (0.000062%); highest among the groups gnomAD compares: Non-Finnish European, 0.000085%; no homozygotes.

Submissions (2):

Labcorp Genetics (formerly Invitae), Labcorp
Classification: Uncertain significance. Last evaluated: 2024-03-26. Review status: criteria provided, single submitter. Criteria: Invitae Variant Classification Sherloc (09022015). Collection method: clinical testing. Allele origin: germline.
Comment: This sequence change replaces proline, which is neutral and non-polar, with threonine, which is neutral and polar, at codon 161 of the GNAT1 protein (p.Pro161Thr). This variant is not present in population databases (gnomAD no frequency). This variant has not been reported in the literature in individuals affected with GNAT1-related conditions. ClinVar contains an entry for this variant (Variation ID: 1517554). Advanced modeling of protein sequence and biophysical properties (such as structural, functional, and spatial information, amino acid conservation, physicochemical variation, residue mobility, and thermodynamic stability) performed at Invitae indicates that this missense variant is not expected to disrupt GNAT1 protein function with a negative predictive value of 80%. In summary, the available evidence is currently insufficient to determine the role of this variant in disease. Therefore, it has been classified as a Variant of Uncertain Significance.

Blueprint Genetics
Classification: Uncertain significance. Last evaluated: 2018-03-02. Review status: criteria provided, single submitter. Criteria: ACMG Guidelines, 2015. Collection method: clinical testing. Allele origin: germline.

NM_144499.3(GNAT1):c.481C>A (p.Pro161Thr)

Gene: GNAT1 (G protein subunit alpha transducin 1; plus strand). Cytogenetic location: 3p21.31.
Variant type: single nucleotide variant.
Coding change: c.481C>A on transcript NM_144499.3 (MANE Select); coding-DNA position 481, C replaced by A.
Protein change: p.Pro161Thr; replaces proline 161 with threonine.
Molecular consequence: missense variant.
Genome position (GRCh38, 1-based): chr3:50,193,784, C>A. VCF-style: chr3-50193784-C-A. GRCh37 (hg19) VCF-style: chr3-50231217-C-A.
Other names: c.481C>A, p.Pro161Thr (NM_000172.4); short protein forms P161T.
Identifiers: ClinVar variation 1517554 (VCV001517554.7), dbSNP rs1399876988, ClinGen allele CA352916157.
Genomic context (GRCh38, chr3:50,193,784, plus strand): 5'-CCACCCACCTACGGCCGGGTCTCGCGCAGCTACCTCTCCGACCTGGAGCGCCTGGTAACC[C>A]CGGGCTACGTGCCCACCGAGCAGGACGTGCTGCGCTCGCGAGTCAAGACCACTGGCATCA-3'
Protein context (NP_653082.1, residues 151-171): YLSDLERLVT[Pro161Thr]GYVPTEQDVL